The following is an entry in ClinVar:

NM_002860.4(ALDH18A1):c.1753C>T (p.His585Tyr)

Gene: ALDH18A1 (aldehyde dehydrogenase 18 family member A1; minus strand). Cytogenetic location: 10q24.1.
Variant type: single nucleotide variant.
Coding change: c.1753C>T on transcript NM_002860.4 (MANE Select); coding-DNA position 1753, C replaced by T.
Protein change: p.His585Tyr; replaces histidine 585 with tyrosine.
Molecular consequence: missense variant.
Genome position (GRCh38, 1-based): chr10:95,614,014, G>A on the plus strand (C>T on the coding strand, the complement: ALDH18A1 is on the minus strand). VCF-style: chr10-95614014-G-A. GRCh37 (hg19) VCF-style: chr10-97373771-G-A.
Other names: c.1747C>T, p.His583Tyr (NM_001017423.2, NM_001323415.2); c.1420C>T, p.His474Tyr (NM_001323412.2, NM_001323416.2); c.1753C>T, p.His585Tyr (NM_001323413.2, NM_001323414.2); c.1648C>T, p.His550Tyr (NM_001323417.2); c.1414C>T, p.His472Tyr (NM_001323418.2); c.1117C>T, p.His373Tyr (NM_001323419.2); short protein forms H472Y, H550Y, H474Y, H585Y, H583Y, H373Y.
Identifiers: ClinVar variation 4783426 (VCV004783426.2).

ClinVar aggregate classification (germline): Conflicting classifications of pathogenicity. Review status: criteria provided, conflicting classifications (1 of 4 stars). 2 submissions from 2 submitters: Likely pathogenic (1); Uncertain significance (1). Last evaluated 2025-03-10.

Conditions:
ALDH18A1-related disorder. Also called: ALDH18A1-related disorders.
Autosomal dominant spastic paraplegia type 9. Identifiers: MedGen C1832669, MONDO:0015091.
de Barsy syndrome. Also called: Cutis laxa-corneal clouding-oligophrenia syndrome. Identifiers: Orphanet 2962, MedGen C0268354, MONDO:0017569.
Cutis laxa, autosomal dominant 3 (ADCL3). Identifiers: Orphanet 90348, MedGen C4225268, MONDO:0014706, OMIM 616603.

gnomAD v4.1: 5 of 1,614,192 alleles (0.00031%); highest among the groups gnomAD compares: Non-Finnish European, 0.00042%; no homozygotes.

Submissions (2):

Labcorp Genetics (formerly Invitae), Labcorp
Classification: Uncertain significance for Autosomal dominant spastic paraplegia type 9; de Barsy syndrome; Cutis laxa, autosomal dominant 3. Last evaluated: 2025-03-10. Review status: criteria provided, single submitter. Criteria: Invitae Variant Classification Sherloc (09022015). Collection method: clinical testing. Allele origin: germline.
Comment: This sequence change replaces histidine, which is basic and polar, with tyrosine, which is neutral and polar, at codon 585 of the ALDH18A1 protein (p.His585Tyr). This variant is present in population databases (no rsID available, gnomAD 0.0009%). This variant has not been reported in the literature in individuals affected with ALDH18A1-related conditions. Invitae Evidence Modeling of protein sequence and biophysical properties (such as structural, functional, and spatial information, amino acid conservation, physicochemical variation, residue mobility, and thermodynamic stability) indicates that this missense variant is expected to disrupt ALDH18A1 protein function with a positive predictive value of 80%. In summary, the available evidence is currently insufficient to determine the role of this variant in disease. Therefore, it has been classified as a Variant of Uncertain Significance.

Blueprint Genetics
Classification: Likely pathogenic for ALDH18A1-related disorders. Last evaluated: 2021-12-10. Review status: criteria provided, single submitter. Criteria: ACMG Guidelines, 2015. Collection method: clinical testing. Allele origin: germline. Affected: yes. Observed: 2 variant alleles.